The following is an entry in ClinVar:

NM_172362.3(KCNH1):c.1083T>G (p.Leu361=)

Gene: KCNH1 (potassium voltage-gated channel subfamily H member 1; minus strand). Cytogenetic location: 1q32.2.
Variant type: single nucleotide variant.
Coding change: c.1083T>G on transcript NM_172362.3 (MANE Select); coding-DNA position 1083, T replaced by G.
Protein change: p.Leu361=; no amino-acid change (leucine 361 retained).
Molecular consequence: synonymous variant.
Genome position (GRCh38, 1-based): chr1:210,920,019, A>C on the plus strand (T>G on the coding strand, the complement: KCNH1 is on the minus strand). VCF-style: chr1-210920019-A-C. GRCh37 (hg19) VCF-style: chr1-211093361-A-C.
Other names: p.Leu361=; c.1002T>G, p.Leu334= (NM_002238.4).
Identifiers: ClinVar variation 771266 (VCV000771266.11), dbSNP rs57057502, ClinGen allele CA1379918.

ClinVar aggregate classification (germline): Benign/Likely benign. Review status: criteria provided, multiple submitters, no conflicts (2 of 4 stars). 3 submissions from 3 submitters: Benign (2); Likely benign (1). Last evaluated 2026-01-28.

Allele frequency attached by ClinVar (database versions not stated): gnomAD 0.00101 and 0.00103; gnomAD exomes 0.00025 and 0.00009; TOPMed 0.00101; ESP Exome Variant Server 0.00123; 1000 Genomes Project 0.00160; ExAC 0.00027; 1000 Genomes Project 30x 0.00156.
gnomAD v4.1: 297 of 1,614,164 alleles (0.018%); highest among the groups gnomAD compares: African/African-American, 0.36%; no homozygotes.

Submissions (3):

Labcorp Genetics (formerly Invitae), Labcorp
Classification: Benign. Last evaluated: 2026-01-28. Review status: criteria provided, single submitter. Criteria: Invitae Variant Classification Sherloc (09022015). Collection method: clinical testing. Allele origin: germline.

Mayo Clinic Laboratories, Mayo Clinic
Classification: Likely benign. Last evaluated: 2023-07-21. Review status: criteria provided, single submitter. Criteria: ACMG Guidelines, 2015. Collection method: clinical testing. Allele origin: germline. Observed: 1 variant allele.
Comment: BS1, BP4, BP7

GeneDx
Classification: Benign. Last evaluated: 2018-12-21. Review status: criteria provided, single submitter. Criteria: GeneDx Variant Classification Process June 2021. Collection method: clinical testing. Allele origin: germline. Affected: yes.